The following is an entry in ClinVar:

NM_002386.4(MC1R):c.626A>G (p.His209Arg)

Gene: MC1R (melanocortin 1 receptor; plus strand). Cytogenetic location: 16q24.3.
Variant type: single nucleotide variant.
Coding change: c.626A>G on transcript NM_002386.4 (MANE Select); coding-DNA position 626, A replaced by G.
Protein change: p.His209Arg; replaces histidine 209 with arginine.
Molecular consequence: missense variant.
Genome position (GRCh38, 1-based): chr16:89,919,884, A>G. VCF-style: chr16-89919884-A-G. GRCh37 (hg19) VCF-style: chr16-89986292-A-G.
Other names: short protein forms H209R.
Identifiers: ClinVar variation 4859660 (VCV004859660.1).

ClinVar aggregate classification (germline): Uncertain significance (1 of 4 stars; one submission).

Submission:

Ambry Genetics
Classification: Uncertain significance. Last evaluated: 2026-04-22. Review status: criteria provided, single submitter. Criteria: Ambry Variant Classification Scheme 2023. Collection method: clinical testing. Allele origin: germline.
Comment: The p.H209R variant (also known as c.626A>G), located in coding exon 1 of the MC1R gene, results from an A to G substitution at nucleotide position 626. The histidine at codon 209 is replaced by arginine, an amino acid with highly similar properties. This amino acid position is conserved. In addition, this alteration is predicted to be tolerated by in silico analysis. Based on the available evidence, the clinical significance of this variant remains unclear.